The following is an entry in ClinVar:

NM_003482.4(KMT2D):c.14713C>T (p.Gln4905Ter)

Gene: KMT2D (lysine methyltransferase 2D; minus strand). Cytogenetic location: 12q13.12.
Variant type: single nucleotide variant.
Coding change: c.14713C>T on transcript NM_003482.4 (MANE Select); coding-DNA position 14713, C replaced by T.
Protein change: p.Gln4905Ter; replaces glutamine 4905 with a stop codon.
Molecular consequence: nonsense.
Genome position (GRCh38, 1-based): chr12:49,027,253, G>A on the plus strand (C>T on the coding strand, the complement: KMT2D is on the minus strand). VCF-style: chr12-49027253-G-A. GRCh37 (hg19) VCF-style: chr12-49421036-G-A.
Other names: short protein forms Q4905*.
Identifiers: ClinVar variation 504375 (VCV000504375.2), dbSNP rs1555186053, ClinGen allele CA384692093.
Genomic context (GRCh38, chr12:49,027,253, plus strand): 5'-GAGAAGGTGCCAAGGGGGAAGGGGGCGGGGAGGGTTCTTCAGGAGGTGGGGCCGAGAGCT[G>A]TCGCACATCCAGATTGGAGACATTGTAGGTATAGCTGTGCTGAGTGGGTGGCTCTGGGGC-3'

ClinVar aggregate classification (germline): Pathogenic/Likely pathogenic. Review status: criteria provided, multiple submitters, no conflicts (2 of 4 stars). 2 submissions from 2 submitters: Pathogenic (1); Likely pathogenic (1). Last evaluated 2018-02-27.

Conditions:
Kabuki syndrome 1 (KABUK1). Also called: KMT2D-Related Kabuki Syndrome. Identifiers: Orphanet 2322, MedGen CN030661, MONDO:0007843, OMIM 147920.

Submissions (2):

GeneDx
Classification: Pathogenic. Last evaluated: 2018-02-27. Review status: criteria provided, single submitter. Criteria: GeneDx Variant Classification (06012015). Collection method: clinical testing. Allele origin: germline. Affected: yes.
Comment: The Q4905X variant in the KMT2D gene has not been reported previously as a pathogenic variant nor as a benign variant, to our knowledge. This variant is predicted to cause loss of normal protein function either through protein truncation or nonsense-mediated mRNA decay. The Q4905X variant is not observed in large population cohorts (Lek et al., 2016). We interpret Q4905X as a pathogenic variant,

Center for Human Genetics, Inc
Classification: Likely pathogenic for Kabuki syndrome 1. Last evaluated: 2016-11-01. Review status: criteria provided, single submitter. Criteria: ACMG Guidelines, 2015. Collection method: clinical testing. Allele origin: germline. Affected: yes.